The following is an entry in ClinVar:

NM_001160148.2(DDHD1):c.336_337insGGCAGC (p.Gly112_Ser113insGlySer)

Gene: DDHD1 (DDHD domain containing 1; minus strand). Cytogenetic location: 14q22.1.
Variant type: Insertion.
Coding change: c.336_337insGGCAGC on transcript NM_001160148.2 (MANE Select); coding-DNA positions 336 to 337, GGCAGC inserted.
Protein change: p.Gly112_Ser113insGlySer.
Molecular consequence: inframe insertion.
Genome position: GRCh38 VCF-style: chr14-53152762-T-TGCTGCC. GRCh37 (hg19) VCF-style: chr14-53619480-T-TGCTGCC.
Other names: c.336_337insGGCAGC, p.Gly112_Ser113insGlySer (NM_001160147.2, NM_030637.3).
Identifiers: ClinVar variation 1919775 (VCV001919775.5), dbSNP rs140904345, ClinGen allele CA2137425804.

ClinVar aggregate classification (germline): Uncertain significance (1 of 4 stars; one submission).

Conditions:
Hereditary spastic paraplegia 28. Also called: Spastic paraplegia 28, autosomal recessive. Identifiers: Orphanet 101008, MedGen C1836295, MONDO:0012256, OMIM 609340.

Submission:

Labcorp Genetics (formerly Invitae), Labcorp
Classification: Uncertain significance for Hereditary spastic paraplegia 28. Last evaluated: 2023-08-17. Review status: criteria provided, single submitter. Criteria: Invitae Variant Classification Sherloc (09022015). Collection method: clinical testing. Allele origin: germline.
Comment: In summary, the available evidence is currently insufficient to determine the role of this variant in disease. Therefore, it has been classified as a Variant of Uncertain Significance. This variant, c.336_337insGGCAGC, results in the insertion of 2 amino acid(s) of the DDHD1 protein (p.Gly112_Ser113insGlySer), but otherwise preserves the integrity of the reading frame. This variant is not present in population databases (gnomAD no frequency). This variant has not been reported in the literature in individuals affected with DDHD1-related conditions. ClinVar contains an entry for this variant (Variation ID: 1919775).